The following is an entry in ClinVar:

NM_005506.4(SCARB2):c.362G>A (p.Arg121Gln)

Gene: SCARB2 (scavenger receptor class B member 2; minus strand). Cytogenetic location: 4q21.1.
Variant type: single nucleotide variant.
Coding change: c.362G>A on transcript NM_005506.4 (MANE Select); coding-DNA position 362, G replaced by A.
Protein change: p.Arg121Gln; replaces arginine 121 with glutamine.
Molecular consequence: missense variant. On other transcripts: intron variant (1).
Genome position (GRCh38, 1-based): chr4:76,181,015, C>T on the plus strand (G>A on the coding strand, the complement: SCARB2 is on the minus strand). VCF-style: chr4-76181015-C-T. GRCh37 (hg19) VCF-style: chr4-77102168-C-T.
Other names: p.R121Q:CGA>CAA; p.Arg121Gln; c.276-5105G>A (NM_001204255.2); short protein forms R121Q.
Identifiers: ClinVar variation 138967 (VCV000138967.20), dbSNP rs73826386, ClinGen allele CA293151.
Genomic context (GRCh38, chr4:76,181,015, plus strand): 5'-AATACAGGAATATTTAATGTTCTAATTAAGTCAATTTTAGGGTCTCCAACAGATTGGTCT[C>T]GTTCAAAAACATAGGCCTTGTTGCTAACAGCAGATATTGTTGTTCCATTATCTCCAAATT-3'
Protein context (NP_005497.1, residues 111-131): AVSNKAYVFE[Arg121Gln]DQSVGDPKID

ClinVar aggregate classification (germline): Benign. Review status: criteria provided, multiple submitters, no conflicts (2 of 4 stars). 7 submissions from 7 submitters: Benign (7). Last evaluated 2026-01-28.

Conditions:
Inborn genetic diseases. Identifiers: MedGen C0950123, MeSH D030342.
Progressive myoclonic epilepsy. Also called: Myoclonus epilepsy; Progressive myoclonus epilepsy; Familial progressive myoclonic epilepsy; Myoclonic Epilepsies, Progressive. Identifiers: Orphanet 308, Orphanet 98261, MedGen C0751778, MONDO:0020074.

Allele frequency attached by ClinVar (database versions not stated): gnomAD exomes 0.00054 and 0.00147; ExAC 0.00189; gnomAD 0.00585 and 0.00619; TOPMed 0.00692; ESP Exome Variant Server 0.00715; 1000 Genomes Project 0.00779; 1000 Genomes Project 30x 0.00812.
gnomAD v4.1: 1,720 of 1,613,624 alleles (0.11%); highest among the groups gnomAD compares: African/African-American, 2%; 15 homozygotes.

Submissions (7):

Labcorp Genetics (formerly Invitae), Labcorp
Classification: Benign for Progressive myoclonic epilepsy. Last evaluated: 2026-01-28. Review status: criteria provided, single submitter. Criteria: Invitae Variant Classification Sherloc (09022015). Collection method: clinical testing. Allele origin: germline.

Athena Diagnostics
Classification: Benign. Last evaluated: 2025-02-26. Review status: criteria provided, single submitter. Criteria: Athena Diagnostics Criteria. Collection method: clinical testing. Allele origin: unknown.
Comment: The frequency of this variant in the general population is higher than would generally be expected for pathogenic variants in this gene. Computational tools predict this amino acid change may be benign.

Mayo Clinic Laboratories, Mayo Clinic
Classification: Benign. Last evaluated: 2020-10-26. Review status: criteria provided, single submitter. Criteria: ACMG Guidelines, 2015. Collection method: clinical testing. Allele origin: germline. Observed: 4 variant alleles.

Ambry Genetics
Classification: Benign for Inborn genetic diseases. Last evaluated: 2018-10-19. Review status: criteria provided, single submitter. Criteria: Ambry Variant Classification Scheme 2023. Collection method: clinical testing. Allele origin: germline.

Center for Pediatric Genomic Medicine, Children's Mercy Hospital and Clinics
Classification: Benign. Last evaluated: 2017-01-12. Review status: criteria provided, single submitter. Criteria: ACMG Guidelines, 2015. Collection method: clinical testing. Allele origin: germline.

GeneDx
Classification: Benign. Last evaluated: 2014-03-12. Review status: criteria provided, single submitter. Criteria: GeneDx Variant Classification (06012015). Collection method: clinical testing. Allele origin: germline. Affected: yes.
Comment: This variant is considered likely benign or benign based on one or more of the following criteria: it is a conservative change, it occurs at a poorly conserved position in the protein, it is predicted to be benign by multiple in silico algorithms, and/or has population frequency not consistent with disease.

PreventionGenetics, part of Exact Sciences
Classification: Benign. Review status: criteria provided, single submitter. Criteria: ACMG Guidelines, 2015. Collection method: clinical testing. Allele origin: germline.